The following is an entry in ClinVar:

ClinVar aggregate classification (germline): Uncertain significance (1 of 4 stars; one submission).

Allele frequency attached by ClinVar (database versions not stated): gnomAD exomes below 0.00001 and 0.00001.
gnomAD v4.1: 10 of 1,614,104 alleles (0.00062%); highest among the groups gnomAD compares: Non-Finnish European, 0.00085%; no homozygotes.

Submission:

Laboratory for Molecular Medicine, Mass General Brigham Personalized Medicine
Classification: Uncertain significance. Last evaluated: 2015-01-22. Review status: criteria provided, single submitter. Criteria: LMM Criteria. Collection method: clinical testing. Allele origin: germline. Observed: 1 variant allele.
Comment: The p.Leu1216Val variant in MYO6 has not been previously reported in individuals with hearing loss or in large population studies. Computational prediction tool s and conservation analyses do not provide strong support for or against an impa ct to the protein. In summary, the clinical significance of the p.Leu1216Val var iant is uncertain.

NM_004999.4(MYO6):c.3646C>G (p.Leu1216Val)

Gene: MYO6 (myosin VI; plus strand). Cytogenetic location: 6q14.1.
Variant type: single nucleotide variant.
Coding change: c.3646C>G on transcript NM_004999.4 (MANE Select); coding-DNA position 3646, C replaced by G.
Protein change: p.Leu1216Val; replaces leucine 1216 with valine.
Molecular consequence: missense variant. On other transcripts: non-coding transcript variant (1).
Genome position (GRCh38, 1-based): chr6:75,914,269, C>G. VCF-style: chr6-75914269-C-G. GRCh37 (hg19) VCF-style: chr6-76623986-C-G.
Other names: c.3577C>G, p.Leu1193Val (NM_001300899.2); c.3550C>G, p.Leu1184Val (NM_001368136.1); c.3607C>G, p.Leu1203Val (NM_001368137.1); c.3562C>G, p.Leu1188Val (NM_001368138.1); c.3673C>G, p.Leu1225Val (NM_001368865.1); c.3646C>G, p.Leu1216Val (NM_001368866.1); short protein forms L1216V, L1184V, L1203V, L1188V, L1193V, L1225V.
Identifiers: ClinVar variation 228980 (VCV000228980.4), dbSNP rs876657908, ClinGen allele CA10576710.